The following is an entry in ClinVar:

ClinVar aggregate classification (germline): Uncertain significance (1 of 4 stars; one submission).

Conditions:
Joubert syndrome. Also called: Familial aplasia of the vermis; CEREBELLOPARENCHYMAL DISORDER IV; JOUBERT-BOLTSHAUSER SYNDROME. Identifiers: Orphanet 475, MedGen C5979921, MONDO:0018772.

Allele frequency attached by ClinVar (database versions not stated): gnomAD exomes below 0.00001; TOPMed 0.00001.
gnomAD v4.1: 6 of 1,613,914 alleles (0.00037%); highest among the groups gnomAD compares: Non-Finnish European, 0.00034%; no homozygotes.

Submission:

Labcorp Genetics (formerly Invitae), Labcorp
Classification: Uncertain significance for Joubert syndrome. Last evaluated: 2020-10-05. Review status: criteria provided, single submitter. Criteria: Invitae Variant Classification Sherloc (09022015). Collection method: clinical testing. Allele origin: germline.
Comment: In summary, the available evidence is currently insufficient to determine the role of this variant in disease. Therefore, it has been classified as a Variant of Uncertain Significance. Algorithms developed to predict the effect of missense changes on protein structure and function are either unavailable or do not agree on the potential impact of this missense change (SIFT: "Deleterious"; PolyPhen-2: "Probably Damaging"; Align-GVGD: "Class C0"). This variant has not been reported in the literature in individuals with TMEM216-related conditions. This variant is not present in population databases (ExAC no frequency). This sequence change replaces leucine with methionine at codon 108 of the TMEM216 protein (p.Leu108Met). The leucine residue is highly conserved and there is a small physicochemical difference between leucine and methionine.

NM_001173990.3(TMEM216):c.322C>A (p.Leu108Met)

Gene: TMEM216 (transmembrane protein 216; plus strand). Cytogenetic location: 11q12.2.
Variant type: single nucleotide variant.
Coding change: c.322C>A on transcript NM_001173990.3 (MANE Select); coding-DNA position 322, C replaced by A.
Protein change: p.Leu108Met; replaces leucine 108 with methionine.
Molecular consequence: missense variant.
Genome position (GRCh38, 1-based): chr11:61,397,866, C>A. VCF-style: chr11-61397866-C-A. GRCh37 (hg19) VCF-style: chr11-61165338-C-A.
Other names: c.322C>A, p.Leu108Met (NM_001173991.3); c.139C>A, p.Leu47Met (NM_001330285.2, NM_016499.6); short protein forms L108M, L47M.
Identifiers: ClinVar variation 958848 (VCV000958848.10), dbSNP rs1468325310, ClinGen allele CA380686211.
Genomic context (GRCh38, chr11:61,397,866, plus strand): 5'-CCGCTCAGTATTAGCGTGGCCTTGACCTTCCCATCTGCCATGATGGCCTCCTATTACCTG[C>A]TGCTGCAGACCTACGTACTCCGCCTGGAAGCCATCATGAATGGCATCTTGCTCTTCTTCT-3'
Protein context (NP_001167461.1, residues 98-118): PSAMMASYYL[Leu108Met]LQTYVLRLEA